The following is an entry in ClinVar:

ClinVar aggregate classification (germline): Pathogenic. Review status: criteria provided, multiple submitters, no conflicts (2 of 4 stars). 3 submissions from 3 submitters: Pathogenic (3). Last evaluated 2024-07-10.

Conditions:
Acrodysostosis 2 with or without hormone resistance. Also called: ACRODYSOSTOSIS 2 WITH HORMONE RESISTANCE; ACRODYSOSTOSIS 2 WITHOUT HORMONE RESISTANCE. Identifiers: Orphanet 280651, MedGen C3553250, MONDO:0013822, OMIM 614613.

Submissions (3):

Labcorp Genetics (formerly Invitae), Labcorp
Classification: Pathogenic. Last evaluated: 2024-07-10. Review status: criteria provided, single submitter. Criteria: Invitae Variant Classification Sherloc (09022015). Collection method: clinical testing. Allele origin: germline.
Comment: This sequence change replaces proline, which is neutral and non-polar, with leucine, which is neutral and non-polar, at codon 225 of the PDE4D protein (p.Pro225Leu). This variant is not present in population databases (gnomAD no frequency). This missense change has been observed in individual(s) with acrodysostosis (PMID: 23033274). In at least one individual the variant was observed to be de novo. This variant is also known as c.491C>T (p.Pro164Leu). ClinVar contains an entry for this variant (Variation ID: 2203651). Advanced modeling of protein sequence and biophysical properties (such as structural, functional, and spatial information, amino acid conservation, physicochemical variation, residue mobility, and thermodynamic stability) performed at Invitae indicates that this missense variant is expected to disrupt PDE4D protein function with a positive predictive value of 80%. Experimental studies have shown that this missense change affects PDE4D function (PMID: 24203977). This variant disrupts the p.Pro225 amino acid residue in PDE4D. Other variant(s) that disrupt this residue have been observed in individuals with PDE4D-related conditions (PMID: 22464250, 26633542), which suggests that this may be a clinically significant amino acid residue. For these reasons, this variant has been classified as Pathogenic.

Institute of Human Genetics, Clinical Exome/Genome Diagnostics Group, University Hospital Bonn
Classification: Pathogenic for Acrodysostosis 2 with or without hormone resistance. Last evaluated: 2024-03-26. Review status: criteria provided, single submitter. Criteria: ACMG Guidelines, 2015. Collection method: clinical testing. Allele origin: de novo. Affected: yes.

GeneDx
Classification: Pathogenic. Last evaluated: 2023-07-12. Review status: criteria provided, single submitter. Criteria: GeneDx Variant Classification Process June 2021. Collection method: clinical testing. Allele origin: germline. Affected: yes.
Comment: In silico analysis supports that this missense variant has a deleterious effect on protein structure/function; Not observed at significant frequency in large population cohorts (gnomAD); This variant is associated with the following publications: (PMID: 24203977, 26763073, 23033274)

Literature cited by the submitters: PubMed 23033274 (cited by Labcorp Genetics (formerly Invitae), Labcorp); PubMed 24203977 (cited by Labcorp Genetics (formerly Invitae), Labcorp); PubMed 22464250 (cited by Labcorp Genetics (formerly Invitae), Labcorp); PubMed 26633542 (cited by Labcorp Genetics (formerly Invitae), Labcorp).

NM_001104631.2(PDE4D):c.674C>T (p.Pro225Leu)

Gene: PDE4D (phosphodiesterase 4D; minus strand). Cytogenetic location: 5q11.2.
Variant type: single nucleotide variant.
Coding change: c.674C>T on transcript NM_001104631.2 (MANE Select); coding-DNA position 674, C replaced by T.
Protein change: p.Pro225Leu; replaces proline 225 with leucine.
Molecular consequence: missense variant. On other transcripts: 5 prime UTR variant (3).
Genome position (GRCh38, 1-based): chr5:59,193,510, G>A on the plus strand (C>T on the coding strand, the complement: PDE4D is on the minus strand). VCF-style: chr5-59193510-G-A. GRCh37 (hg19) VCF-style: chr5-58489336-G-A.
Other names: c.674C>T (NM_001104631.1); c.491C>T, p.Pro164Leu (NM_001165899.2, NM_001364599.1, NM_001364600.2); c.482C>T, p.Pro161Leu (NM_001197218.2, NM_001364602.2); c.308C>T, p.Pro103Leu (NM_001197219.2); c.284C>T, p.Pro95Leu (NM_001197220.2); c.461C>T, p.Pro154Leu (NM_001349241.2); c.344C>T, p.Pro115Leu (NM_001349242.2); c.-21C>T (NM_001349243.2, NM_001364604.1); and 2 more; short protein forms P115L, P161L, P95L, P154L, P164L, P89L, P225L, P103L.
Identifiers: ClinVar variation 2203651 (VCV002203651.6), dbSNP rs2530962740, ClinGen allele CA359930488.
Genomic context (GRCh38, chr5:59,193,510, plus strand): 5'-TAAATTTTTACATCTGTGAGAAACCTGCCCATTCACCAAGCTGTGCTTACCTGAGCAAAT[G>A]GAGTCACAATCAAGTCATCTCCGTGTCTGAAAAATAAACCAAATCCCGCATTAGAAATCA-3'
Protein context (NP_001098101.1, residues 215-235): DIHGDDLIVT[Pro225Leu]FAQVLASLRT